The following is an entry in ClinVar:

NM_001367624.2(ZNF469):c.3278A>G (p.Asp1093Gly)

Genes: ZNF469 (zinc finger protein 469; plus strand), LOC130059718 (ATAC-STARR-seq lymphoblastoid silent region 7847; plus strand). Cytogenetic location: 16q24.2.
Variant type: single nucleotide variant.
Coding change: c.3278A>G on transcript NM_001367624.2 (MANE Select); coding-DNA position 3278, A replaced by G.
Protein change: p.Asp1093Gly; replaces aspartic acid 1093 with glycine.
Molecular consequence: missense variant.
Genome position (GRCh38, 1-based): chr16:88,430,748, A>G. VCF-style: chr16-88430748-A-G. GRCh37 (hg19) VCF-style: chr16-88497156-A-G.
Other names: NM_001127464.1:c.3194A>G; NM_001127464.2:c.3194A>G; short protein forms D1093G.
Identifiers: ClinVar variation 1315125 (VCV001315125.8), dbSNP rs533979613, ClinGen allele CA8224840.
Genomic context (GRCh38, chr16:88,430,748, plus strand): 5'-GCTCCCTGGCGGCGGGGAGGCCCCGGCCCGGAGCTGAGGACCGCAGGCTCCGCGAGTACG[A>G]CTTCGCCTCGGAGTCCGAGGAGGACGAGCAGCCTCCGCCGCGGGGCCCCGGCTTCAGAGG-3'
Protein context (NP_001354553.1, residues 1083-1103): GAEDRRLREY[Asp1093Gly]FASESEEDEQ

ClinVar aggregate classification (germline): Conflicting classifications of pathogenicity. Review status: criteria provided, conflicting classifications (1 of 4 stars). 5 submissions from 5 submitters: Uncertain significance (2); Likely benign (2). 1 of the submissions does not count toward it. Last evaluated 2026-01-20.

Conditions:
ZNF469-related disorder. Also called: ZNF469-related condition.
Cardiovascular phenotype. Identifiers: MedGen CN230736.

Allele frequency attached by ClinVar (database versions not stated): TOPMed 0.00001; gnomAD 0.00011; gnomAD exomes 0.00039; 1000 Genomes Project 30x 0.00125; 1000 Genomes Project 0.00140; ExAC 0.00149.
gnomAD v4.1: 185 of 1,505,954 alleles (0.012%); highest among the groups gnomAD compares: South Asian, 0.22%; 1 homozygote.

Submissions (5):

Labcorp Genetics (formerly Invitae), Labcorp
Classification: Likely benign. Last evaluated: 2026-01-20. Review status: criteria provided, single submitter. Criteria: Invitae Variant Classification Sherloc (09022015). Collection method: clinical testing. Allele origin: germline.

Women's Health and Genetics/Laboratory Corporation of America, LabCorp
Classification: Uncertain significance. Last evaluated: 2025-02-24. Review status: criteria provided, single submitter. Criteria: LabCorp Variant Classification Summary - May 2015. Collection method: clinical testing. Allele origin: germline.
Comment: Variant summary: ZNF469 c.3278A>G (p.Asp1093Gly) results in a non-conservative amino acid change in the encoded protein sequence. Three of four in-silico tools predict a benign effect of the variant on protein function. The variant allele was found at a frequency of 0.00039 in 105098 control chromosomes. This frequency is not significantly higher than estimated for a pathogenic variant in ZNF469 causing Brittle cornea syndrome 1, allowing no conclusion about variant significance. To our knowledge, no occurrence of c.3278A>G in individuals affected with Brittle cornea syndrome 1 and no experimental evidence demonstrating its impact on protein function have been reported. ClinVar contains an entry for this variant (Variation ID: 1315125). Based on the evidence outlined above, the variant was classified as uncertain significance.

Ambry Genetics
Classification: Likely benign for Cardiovascular phenotype. Last evaluated: 2024-08-20. Review status: criteria provided, single submitter. Criteria: Ambry Variant Classification Scheme 2023. Collection method: clinical testing. Allele origin: germline.

GeneDx
Classification: Uncertain significance. Last evaluated: 2020-01-28. Review status: criteria provided, single submitter. Criteria: GeneDx Variant Classification Process June 2021. Collection method: clinical testing. Allele origin: germline. Affected: yes.
Comment: Has not been previously published as pathogenic or benign to our knowledge; In silico analysis, which includes protein predictors and evolutionary conservation, supports that this variant does not alter protein structure/function

PreventionGenetics, part of Exact Sciences
Classification: Likely benign for ZNF469-related condition. Last evaluated: 2024-07-02. Review status: no assertion criteria provided. Collection method: clinical testing. Allele origin: germline. Not counted in ClinVar's aggregate classification.
Comment: This variant is classified as likely benign based on ACMG/AMP sequence variant interpretation guidelines (Richards et al. 2015 PMID: 25741868, with internal and published modifications).